The following is an entry in ClinVar:

ClinVar aggregate classification (germline): Benign. Review status: criteria provided, multiple submitters, no conflicts (2 of 4 stars). 8 submissions from 8 submitters: Benign (6). 2 of the submissions do not count toward it. Last evaluated 2026-01-21.

Conditions:
Brittle cornea syndrome 1 (BCS1). Also called: DYSGENESIS MESODERMALIS CORNEAE ET SCLERAE; CORNEAL FRAGILITY, KERATOGLOBUS, BLUE SCLERAE, JOINT HYPEREXTENSIBILITY; EDS6B; FRAGILITAS OCULI WITH JOINT HYPEREXTENSIBILITY; Corneal fragility keratoglobus, blue sclerae AND joint hypermobility. Identifiers: Orphanet 90354, MedGen C0268344, MONDO:0024543, OMIM 229200.

Allele frequency attached by ClinVar (database versions not stated): TOPMed 0.23316; gnomAD 0.23993 and 0.24166; gnomAD exomes 0.25132; 1000 Genomes Project 30x 0.21799; 1000 Genomes Project 0.22145; ExAC 0.22825.
gnomAD v4.1: 390,701 of 1,549,986 alleles (25%); highest among the groups gnomAD compares: East Asian, 26%; 49,981 homozygotes.

Submissions (8):

Women's Health and Genetics/Laboratory Corporation of America, LabCorp
Classification: Benign. Last evaluated: 2026-01-21. Review status: criteria provided, single submitter. Criteria: LabCorp Variant Classification Summary - May 2015. Collection method: clinical testing. Allele origin: germline.

Blueprint Genetics
Classification: Benign. Last evaluated: 2024-11-27. Review status: criteria provided, single submitter. Criteria: ACMG Guidelines, 2015. Collection method: clinical testing. Allele origin: germline.

Mayo Clinic Laboratories, Mayo Clinic
Classification: Benign. Last evaluated: 2022-04-26. Review status: criteria provided, single submitter. Criteria: ACMG Guidelines, 2015. Collection method: clinical testing. Allele origin: germline. Observed: 1,405 variant alleles.

Genome-Nilou Lab
Classification: Benign for Brittle cornea syndrome 1. Last evaluated: 2021-12-05. Review status: criteria provided, single submitter. Criteria: ACMG Guidelines, 2015. Collection method: clinical testing. Allele origin: germline. Affected: no.

GeneDx
Classification: Benign. Last evaluated: 2016-10-05. Review status: criteria provided, single submitter. Criteria: GeneDx Variant Classification (06012015). Collection method: clinical testing. Allele origin: germline. Affected: yes.
Comment: This variant is considered likely benign or benign based on one or more of the following criteria: it is a conservative change, it occurs at a poorly conserved position in the protein, it is predicted to be benign by multiple in silico algorithms, and/or has population frequency not consistent with disease.

Breakthrough Genomics
Classification: Benign. Review status: criteria provided, single submitter. Criteria: ACMG Guidelines, 2015. Collection method: not provided. Allele origin: germline. Inheritance: Autosomal recessive inheritance. Affected: yes.

Diagnostic Laboratory, Department of Genetics, University Medical Center Groningen
Classification: Benign. Review status: no assertion criteria provided. Collection method: clinical testing. Allele origin: germline. Affected: yes. Study: VKGL Data-share Consensus. Not counted in ClinVar's aggregate classification.

Joint Genome Diagnostic Labs from Nijmegen and Maastricht, Radboudumc and MUMC+
Classification: Benign. Review status: no assertion criteria provided. Collection method: clinical testing. Allele origin: germline. Affected: yes. Study: VKGL Data-share Consensus. Not counted in ClinVar's aggregate classification.

NM_001367624.2(ZNF469):c.*8G>A

Gene: ZNF469 (zinc finger protein 469; plus strand). Cytogenetic location: 16q24.2.
Variant type: single nucleotide variant.
Coding change: c.*8G>A on transcript NM_001367624.2 (MANE Select); 8 bases downstream of the stop codon, G replaced by A.
Molecular consequence: 3 prime UTR variant.
Genome position (GRCh38, 1-based): chr16:88,439,340, G>A. VCF-style: chr16-88439340-G-A. GRCh37 (hg19) VCF-style: chr16-88505748-G-A.
Identifiers: ClinVar variation 321035 (VCV000321035.15), dbSNP rs45504291, ClinGen allele CA8225652.